The following is an entry in ClinVar:

ClinVar aggregate classification (germline): Uncertain significance (1 of 4 stars; one submission).

Conditions:
Hereditary cancer-predisposing syndrome. Also called: Neoplastic Syndromes, Hereditary; Tumor predisposition; Hereditary Cancer Syndrome; Hereditary neoplastic syndrome. Identifiers: Orphanet 140162, MedGen C0027672, MeSH D009386, MONDO:0015356.

Submission:

Color Diagnostics, LLC DBA Color Health
Classification: Uncertain significance for Hereditary cancer-predisposing syndrome. Last evaluated: 2023-03-15. Review status: criteria provided, single submitter. Criteria: ACMG Guidelines, 2015. Collection method: clinical testing. Allele origin: germline.
Comment: This missense variant replaces threonine with alanine at codon 627 of the CDH1 protein. To our knowledge, functional studies have not been reported for this variant. This variant has not been reported in individuals affected with CDH1-related disorders in the literature. This variant has not been identified in the general population by the Genome Aggregation Database (gnomAD). The available evidence is insufficient to determine the role of this variant in disease conclusively. Therefore, this variant is classified as a Variant of Uncertain Significance.

NM_004360.5(CDH1):c.1879A>G (p.Thr627Ala)

Gene: CDH1 (cadherin 1; plus strand). Cytogenetic location: 16q22.1.
Variant type: single nucleotide variant.
Coding change: c.1879A>G on transcript NM_004360.5 (MANE Select); coding-DNA position 1879, A replaced by G.
Protein change: p.Thr627Ala; replaces threonine 627 with alanine.
Molecular consequence: missense variant. On other transcripts: 5 prime UTR variant (1).
Genome position (GRCh38, 1-based): chr16:68,822,168, A>G. VCF-style: chr16-68822168-A-G. GRCh37 (hg19) VCF-style: chr16-68856071-A-G.
Other names: c.1696A>G, p.Thr566Ala (NM_001317184.2); c.331A>G, p.Thr111Ala (NM_001317185.2); c.-87A>G (NM_001317186.2); short protein forms T111A, T627A, T566A.
Identifiers: ClinVar variation 2775039 (VCV002775039.2), dbSNP rs1555516886, ClinGen allele CA396467117.